The following is an entry in ClinVar:

NM_001386140.1(MTTP):c.934A>G (p.Arg312Gly)

Gene: MTTP (microsomal triglyceride transfer protein; plus strand). Cytogenetic location: 4q23.
Variant type: single nucleotide variant.
Coding change: c.934A>G on transcript NM_001386140.1 (MANE Select); coding-DNA position 934, A replaced by G.
Protein change: p.Arg312Gly; replaces arginine 312 with glycine.
Molecular consequence: missense variant.
Genome position (GRCh38, 1-based): chr4:99,597,091, A>G. VCF-style: chr4-99597091-A-G. GRCh37 (hg19) VCF-style: chr4-100518248-A-G.
Other names: c.934A>G, p.Arg312Gly (NM_000253.4); c.685A>G, p.Arg229Gly (NM_001300785.2); c.934A>G (NM_000253.2); short protein forms R312G, R229G.
Identifiers: ClinVar variation 1487898 (VCV001487898.9), dbSNP rs1420906147, ClinGen allele CA357506584.

ClinVar aggregate classification (germline): Uncertain significance. Review status: criteria provided, multiple submitters, no conflicts (2 of 4 stars). 2 submissions from 2 submitters: Uncertain significance (2). Last evaluated 2024-10-21.

Conditions:
Inborn genetic diseases. Identifiers: MedGen C0950123, MeSH D030342.

Allele frequency attached by ClinVar (database versions not stated): gnomAD exomes below 0.00001; TOPMed 0.00001.
gnomAD v4.1: 2 of 1,614,038 alleles (0.00012%); highest among the groups gnomAD compares: South Asian, 0.0011%; no homozygotes.

Submissions (2):

Ambry Genetics
Classification: Uncertain significance for Inborn genetic diseases. Last evaluated: 2024-10-21. Review status: criteria provided, single submitter. Criteria: Ambry Variant Classification Scheme 2023. Collection method: clinical testing. Allele origin: germline.

Labcorp Genetics (formerly Invitae), Labcorp
Classification: Uncertain significance. Last evaluated: 2021-03-29. Review status: criteria provided, single submitter. Criteria: Invitae Variant Classification Sherloc (09022015). Collection method: clinical testing. Allele origin: germline.
Comment: In summary, the available evidence is currently insufficient to determine the role of this variant in disease. Therefore, it has been classified as a Variant of Uncertain Significance. Algorithms developed to predict the effect of missense changes on protein structure and function (SIFT, PolyPhen-2, Align-GVGD) all suggest that this variant is likely to be tolerated, but these predictions have not been confirmed by published functional studies and their clinical significance is uncertain. This variant has not been reported in the literature in individuals with MTTP-related conditions. This variant is not present in population databases (ExAC no frequency). This sequence change replaces arginine with glycine at codon 312 of the MTTP protein (p.Arg312Gly). The arginine residue is moderately conserved and there is a moderate physicochemical difference between arginine and glycine.